The following is an entry in ClinVar:

ClinVar aggregate classification (germline): Uncertain significance (1 of 4 stars; one submission).

Conditions:
Cardiovascular phenotype. Identifiers: MedGen CN230736.

gnomAD v4.1: 1 of 1,256,524 alleles (0.00008%); highest among the groups gnomAD compares: Non-Finnish European, 0.0001%; no homozygotes.

Submission:

Ambry Genetics
Classification: Uncertain significance for Cardiovascular phenotype. Last evaluated: 2026-03-12. Review status: criteria provided, single submitter. Criteria: Ambry Variant Classification Scheme 2023. Collection method: clinical testing. Allele origin: germline.
Comment: The p.R62G variant (also known as c.184C>G), located in coding exon 1 of the FOXE3 gene, results from a C to G substitution at nucleotide position 184. The arginine at codon 62 is replaced by glycine, an amino acid with dissimilar properties. This amino acid position is conserved. In addition, this alteration is predicted to be tolerated by in silico analysis. Based on the available evidence, the clinical significance of this variant remains unclear.

NM_012186.3(FOXE3):c.184C>G (p.Arg62Gly)

Genes: FOXE3 (forkhead box E3; plus strand), LINC01389 (long intergenic non-protein coding RNA 1389; minus strand). Cytogenetic location: 1p33.
Variant type: single nucleotide variant.
Coding change: c.184C>G on transcript NM_012186.3 (MANE Select); coding-DNA position 184, C replaced by G.
Protein change: p.Arg62Gly; replaces arginine 62 with glycine.
Molecular consequence: missense variant.
Genome position (GRCh38, 1-based): chr1:47,416,499, C>G. VCF-style: chr1-47416499-C-G. GRCh37 (hg19) VCF-style: chr1-47882171-C-G.
Other names: short protein forms R62G.
Identifiers: ClinVar variation 4825927 (VCV004825927.1).